The following is an entry in ClinVar:

ClinVar aggregate classification (germline): Uncertain significance (1 of 4 stars; one submission).

Conditions:
Hereditary cancer-predisposing syndrome. Also called: Hereditary neoplastic syndrome; Neoplastic Syndromes, Hereditary; Tumor predisposition; Hereditary Cancer Syndrome. Identifiers: Orphanet 140162, MedGen C0027672, MeSH D009386, MONDO:0015356.

Submission:

Ambry Genetics
Classification: Uncertain significance for Hereditary cancer-predisposing syndrome. Last evaluated: 2024-12-19. Review status: criteria provided, single submitter. Criteria: Ambry Variant Classification Scheme 2023. Collection method: clinical testing. Allele origin: germline.
Comment: The c.1034_1036delGAG variant (also known as p.G345del) is located in coding exon 4 of the BARD1 gene. This variant results from an in-frame GAG deletion at nucleotide positions 1034 to 1036. This results in the in-frame deletion of a glycine at codon 345. This amino acid position is not well conserved in available vertebrate species. In addition, this alteration is predicted to be neutral by in silico analysis (Choi Y et al. PLoS ONE. 2012; 7(10):e46688). Based on the available evidence, the clinical significance of this variant remains unclear.

NM_000465.4(BARD1):c.1034_1036del (p.Gly345del)

Gene: BARD1 (BRCA1 associated RING domain 1; minus strand). Cytogenetic location: 2q35.
Variant type: Deletion.
Coding change: c.1034_1036del on transcript NM_000465.4 (MANE Select); coding-DNA positions 1034 to 1036, 3 bases deleted (GAG; older notation c.1034_1036delGAG).
Protein change: p.Gly345del; deletes glycine 345.
Molecular consequence: inframe deletion. On other transcripts: non-coding transcript variant (2), intron variant (3).
Genome position (GRCh38, 1-based): chr2:214,780,838-214,780,840, CTC deleted on the plus strand (GAG on the coding strand, the reverse complement: BARD1 is on the minus strand); deleting any 3 consecutive bases within chr2:214,780,838-214,780,841 gives the same sequence; the c. name uses the placement nearest the transcript's 3' end. VCF-style (leftmost placement, unchanged base first): chr2-214780837-TCTC-T. GRCh37 (hg19) VCF-style: chr2-215645561-TCTC-T.
Other names: c.977_979del, p.Gly326del (NM_001282543.2); c.159-28285_159-28283del (NM_001282548.2); c.215+16221_215+16223del (NM_001282545.2); c.364+11457_364+11459del (NM_001282549.2); short protein forms G326del, G345del.
Identifiers: ClinVar variation 3820361 (VCV003820361.1).